The following is an entry in ClinVar:

ClinVar aggregate classification (germline): Uncertain significance. Review status: criteria provided, multiple submitters, no conflicts (2 of 4 stars). 2 submissions from 2 submitters: Uncertain significance (2). Last evaluated 2026-09-02.

Conditions:
Charcot-Marie-Tooth disease type 2E (CMT2E). Also called: CHARCOT-MARIE-TOOTH DISEASE, AXONAL, TYPE 2E; CHARCOT-MARIE-TOOTH NEUROPATHY, TYPE 2E. Identifiers: Orphanet 99939, MedGen C1843225, MONDO:0011894, OMIM 607684.
NEFL-related disorder. Also called: NEFL-related condition.

Allele frequency attached by ClinVar (database versions not stated): ExAC 0.00001; gnomAD 0.00002; gnomAD exomes 0.00002; TOPMed 0.00003.

Submissions (2):

PreventionGenetics, part of Exact Sciences
Classification: Uncertain significance for NEFL-related condition. Last evaluated: 2026-09-02. Review status: criteria provided, single submitter. Criteria: ACMG Guidelines, 2015. Collection method: clinical testing. Allele origin: germline.
Comment: The NEFL c.1514C>T variant is predicted to result in the amino acid substitution p.Ala505Val. To our knowledge, this variant has not been reported in the literature. This variant is reported in 0.0083% of alleles in individuals of African descent in gnomAD. At this time, the clinical significance of this variant is uncertain due to the absence of conclusive functional and genetic evidence.

Labcorp Genetics (formerly Invitae), Labcorp
Classification: Uncertain significance for Charcot-Marie-Tooth disease type 2E. Last evaluated: 2024-07-03. Review status: criteria provided, single submitter. Criteria: Invitae Variant Classification Sherloc (09022015). Collection method: clinical testing. Allele origin: germline.
Comment: This sequence change replaces alanine, which is neutral and non-polar, with valine, which is neutral and non-polar, at codon 505 of the NEFL protein (p.Ala505Val). This variant is present in population databases (rs778772140, gnomAD 0.008%). This variant has not been reported in the literature in individuals affected with NEFL-related conditions. Advanced modeling of protein sequence and biophysical properties (such as structural, functional, and spatial information, amino acid conservation, physicochemical variation, residue mobility, and thermodynamic stability) has been performed at Invitae for this missense variant, however the output from this modeling did not meet the statistical confidence thresholds required to predict the impact of this variant on NEFL protein function. In summary, the available evidence is currently insufficient to determine the role of this variant in disease. Therefore, it has been classified as a Variant of Uncertain Significance.

NM_006158.5(NEFL):c.1514C>T (p.Ala505Val)

Gene: NEFL (neurofilament light chain; minus strand). Cytogenetic location: 8p21.2.
Variant type: single nucleotide variant.
Coding change: c.1514C>T on transcript NM_006158.5 (MANE Select); coding-DNA position 1514, C replaced by T.
Protein change: p.Ala505Val; replaces alanine 505 with valine.
Molecular consequence: missense variant.
Genome position (GRCh38, 1-based): chr8:24,952,928, G>A on the plus strand (C>T on the coding strand, the complement: NEFL is on the minus strand). VCF-style: chr8-24952928-G-A. GRCh37 (hg19) VCF-style: chr8-24810441-G-A.
Other names: short protein forms A505V.
Identifiers: ClinVar variation 2914346 (VCV002914346.4), dbSNP rs778772140, ClinGen allele CA4681245.